The following is an entry in ClinVar:

ClinVar aggregate classification (germline): Uncertain significance. Review status: criteria provided, multiple submitters, no conflicts (2 of 4 stars). 2 submissions from 2 submitters: Uncertain significance (2). Last evaluated 2025-02-03.

Conditions:
Inborn genetic diseases. Identifiers: MedGen C0950123, MeSH D030342.

gnomAD v4.1: 4 of 1,579,020 alleles (0.00025%); highest among the groups gnomAD compares: Non-Finnish European, 0.00034%; no homozygotes.

Submissions (2):

Ambry Genetics
Classification: Uncertain significance for Inborn genetic diseases. Last evaluated: 2025-02-03. Review status: criteria provided, single submitter. Criteria: Ambry Variant Classification Scheme 2023. Collection method: clinical testing. Allele origin: germline.

Labcorp Genetics (formerly Invitae), Labcorp
Classification: Uncertain significance. Last evaluated: 2022-05-28. Review status: criteria provided, single submitter. Criteria: Invitae Variant Classification Sherloc (09022015). Collection method: clinical testing. Allele origin: germline.
Comment: This sequence change replaces arginine, which is basic and polar, with glutamine, which is neutral and polar, at codon 266 of the SPEG protein (p.Arg266Gln). This variant is not present in population databases (gnomAD no frequency). This variant has not been reported in the literature in individuals affected with SPEG-related conditions. ClinVar contains an entry for this variant (Variation ID: 1493229). Algorithms developed to predict the effect of missense changes on protein structure and function (SIFT, PolyPhen-2, Align-GVGD) all suggest that this variant is likely to be tolerated. In summary, the available evidence is currently insufficient to determine the role of this variant in disease. Therefore, it has been classified as a Variant of Uncertain Significance.

NM_005876.5(SPEG):c.797G>A (p.Arg266Gln)

Gene: SPEG (striated muscle enriched protein kinase; plus strand). Cytogenetic location: 2q35.
Variant type: single nucleotide variant.
Coding change: c.797G>A on transcript NM_005876.5 (MANE Select); coding-DNA position 797, G replaced by A.
Protein change: p.Arg266Gln; replaces arginine 266 with glutamine.
Molecular consequence: missense variant.
Genome position (GRCh38, 1-based): chr2:219,445,143, G>A. VCF-style: chr2-219445143-G-A. GRCh37 (hg19) VCF-style: chr2-220309865-G-A.
Other names: c.797G>A (NM_005876.4); short protein forms R266Q.
Identifiers: ClinVar variation 1493229 (VCV001493229.6), dbSNP rs1337575763, ClinGen allele CA350713156.
Genomic context (GRCh38, chr2:219,445,143, plus strand): 5'-AGGATAGCCTTTCCGTGGCCAGTGACCTGTACGGCAGCGCATTCAGCCTGTACAGAGGAC[G>A]GGCGCTCTCTATCCACGTGTAAGTAACGGCCTTACCTGGGCCTGAACTGCCCCATCTCAC-3'
Protein context (NP_005867.3, residues 256-276): YGSAFSLYRG[Arg266Gln]ALSIHVSVPQ